The following is an entry in ClinVar:

NM_206933.4(USH2A):c.7049_7053del (p.Glu2350fs)

Gene: USH2A (usherin; minus strand). Cytogenetic location: 1q41.
Variant type: Deletion.
Coding change: c.7049_7053del on transcript NM_206933.4 (MANE Select); coding-DNA positions 7049 to 7053, 5 bases deleted (AAGCA; older notation c.7049_7053delAAGCA).
Protein change: p.Glu2350fs; shifts the reading frame from glutamic acid 2350.
Molecular consequence: frameshift variant.
Genome position (GRCh38, 1-based): chr1:215,965,384-215,965,388, TGCTT deleted on the plus strand (AAGCA on the coding strand, the reverse complement: USH2A is on the minus strand). VCF-style (leftmost placement, unchanged base first): chr1-215965383-GTGCTT-G. GRCh37 (hg19) VCF-style: chr1-216138725-GTGCTT-G.
Other names: short protein forms E2350fs.
Identifiers: ClinVar variation 2709150 (VCV002709150.3), dbSNP rs2527554344, ClinGen allele CA2697554913.

ClinVar aggregate classification (germline): Pathogenic (1 of 4 stars; one submission).

Submission:

Labcorp Genetics (formerly Invitae), Labcorp
Classification: Pathogenic. Last evaluated: 2024-01-12. Review status: criteria provided, single submitter. Criteria: Invitae Variant Classification Sherloc (09022015). Collection method: clinical testing. Allele origin: germline.
Comment: This sequence change creates a premature translational stop signal (p.Glu2350Alafs*5) in the USH2A gene. It is expected to result in an absent or disrupted protein product. Loss-of-function variants in USH2A are known to be pathogenic (PMID: 10729113, 10909849, 20507924, 25649381). This variant is not present in population databases (gnomAD no frequency). This variant has not been reported in the literature in individuals affected with USH2A-related conditions. Algorithms developed to predict the effect of sequence changes on RNA splicing suggest that this variant may create or strengthen a splice site. For these reasons, this variant has been classified as Pathogenic.

Literature cited by the submitters: PubMed 10729113; PubMed 10909849; PubMed 20507924; PubMed 25649381.